The following is an entry in ClinVar:

ClinVar aggregate classification (germline): Uncertain significance (1 of 4 stars; one submission).

Submission:

GeneDx
Classification: Uncertain significance. Last evaluated: 2024-03-04. Review status: criteria provided, single submitter. Criteria: GeneDx Variant Classification Process June 2021. Collection method: clinical testing. Allele origin: germline. Affected: yes.
Comment: Not observed at significant frequency in large population cohorts (gnomAD); In silico analysis supports that this missense variant has a deleterious effect on protein structure/function; Has not been previously published as pathogenic or benign to our knowledge

NM_015557.3(CHD5):c.1820A>T (p.Asp607Val)

Gene: CHD5 (chromodomain helicase DNA binding protein 5; minus strand). Cytogenetic location: 1p36.31.
Variant type: single nucleotide variant.
Coding change: c.1820A>T on transcript NM_015557.3 (MANE Select); coding-DNA position 1820, A replaced by T.
Protein change: p.Asp607Val; replaces aspartic acid 607 with valine.
Molecular consequence: missense variant.
Genome position (GRCh38, 1-based): chr1:6,144,138, T>A on the plus strand (A>T on the coding strand, the complement: CHD5 is on the minus strand). VCF-style: chr1-6144138-T-A. GRCh37 (hg19) VCF-style: chr1-6204198-T-A.
Other names: short protein forms D607V.
Identifiers: ClinVar variation 3369796 (VCV003369796.1).
Genomic context (GRCh38, chr1:6,144,138, plus strand): 5'-TCGATCTCCCAGGTGCACTGGTCGTAGGGCAGGTCTTTCCACTTGATCAGGTAGTGCACA[T>A]CCCCCTTCTTGTCAAAGCTGCAACACGGTGAACAGATGTGGGTCGCTCAGAGCAGTGGCC-3'
Protein context (NP_056372.1, residues 597-617): ILNHSFDKKG[Asp607Val]VHYLIKWKDL